The following is an entry in ClinVar:

NM_001009944.3(PKD1):c.9668C>T (p.Thr3223Met)

Gene: PKD1 (polycystin 1, transient receptor potential channel interacting; minus strand). Cytogenetic location: 16p13.3.
Variant type: single nucleotide variant.
Coding change: c.9668C>T on transcript NM_001009944.3 (MANE Select); coding-DNA position 9668, C replaced by T.
Protein change: p.Thr3223Met; replaces threonine 3223 with methionine.
Molecular consequence: missense variant.
Genome position (GRCh38, 1-based): chr16:2,100,210, G>A on the plus strand (C>T on the coding strand, the complement: PKD1 is on the minus strand). VCF-style: chr16-2100210-G-A. GRCh37 (hg19) VCF-style: chr16-2150211-G-A.
Other names: c.9668C>T, p.Thr3223Met (NM_000296.4); short protein forms T3223M.
Identifiers: ClinVar variation 2366351 (VCV002366351.28), dbSNP rs202227418, ClinGen allele CA7829980.

ClinVar aggregate classification (germline): Conflicting classifications of pathogenicity. Review status: criteria provided, conflicting classifications (1 of 4 stars). 4 submissions from 4 submitters: Uncertain significance (2); Likely benign (2). Last evaluated 2024-12-12.

Conditions:
Inborn genetic diseases. Identifiers: MedGen C0950123, MeSH D030342.
Polycystic kidney disease, adult type (PKD1). Also called: Polycystic Kidney Disease 1, Autosomal Dominant; Polycystic kidney disease 1; Polycystic kidney disease 1, severe; POLYCYSTIC KIDNEY DISEASE, ADULT, TYPE I; Polycystic Kidney, Autosomal Dominant; POLYCYSTIC KIDNEY DISEASE 1 WITH OR WITHOUT POLYCYSTIC LIVER DISEASE. Identifiers: MedGen C3149841, MONDO:0008263, OMIM 173900.

Allele frequency attached by ClinVar (database versions not stated): gnomAD exomes 0.00017; gnomAD 0.00019; ExAC 0.00010; TOPMed 0.00022.

Submissions (4):

Ambry Genetics
Classification: Uncertain significance for Inborn genetic diseases. Last evaluated: 2024-12-12. Review status: criteria provided, single submitter. Criteria: Ambry Variant Classification Scheme 2023. Collection method: clinical testing. Allele origin: germline.

Blueprint Genetics
Classification: Likely benign. Last evaluated: 2024-11-22. Review status: criteria provided, single submitter. Criteria: ACMG Guidelines, 2015. Collection method: clinical testing. Allele origin: germline.

CeGaT Center for Human Genetics Tuebingen
Classification: Likely benign. Last evaluated: 2023-05-01. Review status: criteria provided, single submitter. Criteria: CeGaT Center For Human Genetics Tuebingen Variant Classification Criteria Version 2. Collection method: clinical testing. Allele origin: germline. Affected: yes. Observed: 1 variant allele.
Comment: PKD1: BP4, BS2

Department of Pathology and Laboratory Medicine, Sinai Health System
Classification: Uncertain significance for Polycystic kidney disease, adult type. Last evaluated: 2022-01-19. Review status: criteria provided, single submitter. Criteria: ACMG Guidelines, 2015. Collection method: clinical testing. Allele origin: germline. Affected: yes.